The following is an entry in ClinVar:

ClinVar aggregate classification (germline): Conflicting classifications of pathogenicity. Review status: criteria provided, conflicting classifications (1 of 4 stars). 3 submissions from 3 submitters: Likely pathogenic (2); Uncertain significance (1). Last evaluated 2026-01-13.

Conditions:
Hereditary breast ovarian cancer syndrome. Also called: Hereditary breast and/or ovarian cancer syndrome; BRCA1- and BRCA2-Associated Hereditary Breast and Ovarian Cancer; Hereditary breast and ovarian cancer syndrome; Hereditary breast and ovarian cancer; Hereditary breast and ovarian cancer syndrome (HBOC); Breast and ovarian cancer. Identifiers: Orphanet 145, MedGen C0677776, MeSH D061325, MONDO:0003582. Disease mechanism: loss of function.
Inherited breast cancer and ovarian cancer.

Submissions (4):

German Consortium for Hereditary Breast and Ovarian Cancer, University Hospital Cologne
Classification: Uncertain significance for Hereditary breast ovarian cancer syndrome. Last evaluated: 2026-01-13. Review status: criteria provided, single submitter. Criteria: ClinGen BRCA1 V1.1.0. Collection method: curation. Allele origin: germline.
Comment: This classification follows the ClinGen ENIGMA BRCA1 v1.1.0 classification scheme; We chose these criteria: PS3 (strong pathogenic): Reported by one calibrated study to exhibit protein function similar to pathogenic control variants (PMID:30209399) (PS3 met)., PM2 (supporting pathogenic): absent from controls (gnomAD v2, v3, v4), BP4 (supporting benign): BayesDel no-AF score ≤0.15 (- 0,13) AND SpliceAI ≤0.1 (0,03)

Genetics Laboratory, Great Ormond Street Hospital NHS Foundation Trust, North Thames Genomic Laboratory Hub
Classification: Likely pathogenic for Inherited breast cancer and ovarian cancer. Last evaluated: 2025-11-21. Review status: criteria provided, single submitter. Criteria: CanVIG BRCA Gene Specific V1.22. Collection method: clinical testing. Allele origin: germline. Affected: yes.
Comment: PM2_moderate, PS3_strong

Cambridge Genomics Laboratory, East Genomic Laboratory Hub, NHS Genomic Medicine Service
Classification: Likely pathogenic for Hereditary breast ovarian cancer syndrome. Last evaluated: 2020-05-26. Review status: criteria provided, single submitter. Criteria: ACGS Best Practice Guidelines for Variant Classification in Rare Disease 2020. Collection method: clinical testing. Allele origin: germline. Affected: yes. Observed: 1 variant allele.

Brotman Baty Institute, University of Washington
No classification provided (evidence only). Condition: Breast-ovarian cancer, familial 1. Review status: no classification provided. Collection method: in vitro. Allele origin: not applicable. Functional consequence: functionally_abnormal. Not counted in ClinVar's aggregate classification.
ClinVar note: "not provided" was previously submitted as the classification for the variant. However, the classification appeared to be based only on an observation of functional data so it was converted to no classification on 2025-07-30.

NM_007294.4(BRCA1):c.5431C>A (p.Gln1811Lys)

Gene: BRCA1 (BRCA1 DNA repair associated; minus strand). Cytogenetic location: 17q21.31.
Variant type: single nucleotide variant.
Coding change: c.5431C>A on transcript NM_007294.4 (MANE Select); coding-DNA position 5431, C replaced by A.
Protein change: p.Gln1811Lys; replaces glutamine 1811 with lysine.
Molecular consequence: missense variant. On other transcripts: non-coding transcript variant (1).
Genome position (GRCh38, 1-based): chr17:43,047,679, G>T on the plus strand (C>A on the coding strand, the complement: BRCA1 is on the minus strand). VCF-style: chr17-43047679-G-T. GRCh37 (hg19) VCF-style: chr17-41199696-G-T.
Other names: c.5218C>A, p.Gln1740Lys (NM_001407571.1, NM_001407894.1, NM_001407895.1 and 12 more transcripts); c.5497C>A, p.Gln1833Lys (NM_001407581.1, NM_001407582.1); c.5494C>A, p.Gln1832Lys (NM_001407583.1, NM_001407585.1, NM_001407587.1 and 1 more transcripts); c.5491C>A, p.Gln1831Lys (NM_001407590.1, NM_001407591.1); c.5431C>A, p.Gln1811Lys (NM_001407593.1, NM_001407594.1, NM_001407596.1 and 5 more transcripts); c.5428C>A, p.Gln1810Lys (NM_001407610.1, NM_001407611.1, NM_001407622.1 and 14 more transcripts); c.5425C>A, p.Gln1809Lys (NM_001407627.1, NM_001407628.1, NM_001407629.1 and 13 more transcripts); c.5422C>A, p.Gln1808Lys (NM_001407644.1, NM_001407645.1); and 83 more; short protein forms Q1832K, A682E, Q1764K, Q1811K, Q707K, A681E, Q1514K, Q1682K.
Identifiers: ClinVar variation 865492 (VCV000865492.5), dbSNP rs397509283, ClinGen allele CA10590573.